The following is an entry in ClinVar:

NM_006767.4(LZTR1):c.1081T>A (p.Ser361Thr)

Gene: LZTR1 (leucine zipper like post translational regulator 1; plus strand). Cytogenetic location: 22q11.21.
Variant type: single nucleotide variant.
Coding change: c.1081T>A on transcript NM_006767.4 (MANE Select); coding-DNA position 1081, T replaced by A.
Protein change: p.Ser361Thr; replaces serine 361 with threonine.
Molecular consequence: missense variant.
Genome position (GRCh38, 1-based): chr22:20,992,301, T>A. VCF-style: chr22-20992301-T-A. GRCh37 (hg19) VCF-style: chr22-21346590-T-A.
Other names: short protein forms S361T.
Identifiers: ClinVar variation 3993493 (VCV003993493.1).

ClinVar aggregate classification (germline): Uncertain significance (1 of 4 stars; one submission).

Conditions:
Cardiovascular phenotype. Identifiers: MedGen CN230736.
Hereditary cancer-predisposing syndrome. Also called: Tumor predisposition; Hereditary neoplastic syndrome; Neoplastic Syndromes, Hereditary; Hereditary Cancer Syndrome. Identifiers: Orphanet 140162, MedGen C0027672, MeSH D009386, MONDO:0015356.

gnomAD v4.1: 1 of 1,613,854 alleles (0.000062%); highest among the groups gnomAD compares: Non-Finnish European, 0.000085%; no homozygotes.

Submission:

Ambry Genetics
Classification: Uncertain significance for Cardiovascular phenotype; Hereditary cancer-predisposing syndrome. Last evaluated: 2025-05-15. Review status: criteria provided, single submitter. Criteria: Ambry Variant Classification Scheme 2023. Collection method: clinical testing. Allele origin: germline.
Comment: The p.S361T variant (also known as c.1081T>A), located in coding exon 10 of the LZTR1 gene, results from a T to A substitution at nucleotide position 1081. The serine at codon 361 is replaced by threonine, an amino acid with similar properties. This amino acid position is conserved. In addition, this alteration is predicted to be tolerated by in silico analysis. Based on the available evidence, the clinical significance of this variant remains unclear.